The following is an entry in ClinVar:

NM_024642.5(GALNT12):c.1016A>G (p.Asn339Ser)

Gene: GALNT12 (polypeptide N-acetylgalactosaminyltransferase 12; plus strand). Cytogenetic location: 9q22.33.
Variant type: single nucleotide variant.
Coding change: c.1016A>G on transcript NM_024642.5 (MANE Select); coding-DNA position 1016, A replaced by G.
Protein change: p.Asn339Ser; replaces asparagine 339 with serine.
Molecular consequence: missense variant.
Genome position (GRCh38, 1-based): chr9:98,835,347, A>G. VCF-style: chr9-98835347-A-G. GRCh37 (hg19) VCF-style: chr9-101597629-A-G.
Other names: short protein forms N339S.
Identifiers: ClinVar variation 1744330 (VCV001744330.3), dbSNP rs1836115368, ClinGen allele CA374219530.

ClinVar aggregate classification (germline): Uncertain significance (1 of 4 stars; one submission).

Allele frequency attached by ClinVar (database versions not stated): gnomAD exomes below 0.00001.
gnomAD v4.1: 2 of 1,605,134 alleles (0.00012%); highest among the groups gnomAD compares: Middle Eastern, 0.017%; no homozygotes.

Submission:

Ambry Genetics
Classification: Uncertain significance. Last evaluated: 2025-01-13. Review status: criteria provided, single submitter. Criteria: Ambry Variant Classification Scheme 2023. Collection method: clinical testing. Allele origin: germline.
Comment: The p.N339S variant (also known as c.1016A>G), located in coding exon 5 of the GALNT12 gene, results from an A to G substitution at nucleotide position 1016. The asparagine at codon 339 is replaced by serine, an amino acid with highly similar properties. This amino acid position is conserved. In addition, the in silico prediction for this alteration is inconclusive. Since supporting evidence is limited at this time, the clinical significance of this alteration remains unclear.